The following is an entry in ClinVar:

ClinVar aggregate classification (germline): Pathogenic (1 of 4 stars; one submission).

Conditions:
Hyperkalemic periodic paralysis. Also called: Familial hyperkalemic periodic paralysis; Gamstorp disease. Identifiers: Orphanet 682, MedGen C0238357, MONDO:0008224, OMIM 170500, HP:0007215.

Submission:

Labcorp Genetics (formerly Invitae), Labcorp
Classification: Pathogenic for Hyperkalemic periodic paralysis. Last evaluated: 2024-01-02. Review status: criteria provided, single submitter. Criteria: Invitae Variant Classification Sherloc (09022015). Collection method: clinical testing. Allele origin: germline.
Comment: This sequence change creates a premature translational stop signal (p.Trp547*) in the SCN4A gene. It is expected to result in an absent or disrupted protein product. Loss-of-function variants in SCN4A are known to be pathogenic (PMID: 26700687). This variant is not present in population databases (gnomAD no frequency). This variant has not been reported in the literature in individuals affected with SCN4A-related conditions. For these reasons, this variant has been classified as Pathogenic.

Literature cited by the submitters: PubMed 26700687.

NM_000334.4(SCN4A):c.1641G>A (p.Trp547Ter)

Gene: SCN4A (sodium voltage-gated channel alpha subunit 4; minus strand). Cytogenetic location: 17q23.3.
Variant type: single nucleotide variant.
Coding change: c.1641G>A on transcript NM_000334.4 (MANE Select); coding-DNA position 1641, G replaced by A.
Protein change: p.Trp547Ter; replaces tryptophan 547 with a stop codon.
Molecular consequence: nonsense.
Genome position (GRCh38, 1-based): chr17:63,961,397, C>T on the plus strand (G>A on the coding strand, the complement: SCN4A is on the minus strand). VCF-style: chr17-63961397-C-T. GRCh37 (hg19) VCF-style: chr17-62038757-C-T.
Other names: short protein forms W547*.
Identifiers: ClinVar variation 2698109 (VCV002698109.3), dbSNP rs1555603671, ClinGen allele CA400633955.
Genomic context (GRCh38, chr17:63,961,397, plus strand): 5'-GAACTTCAGCCACGGGGCGCAGCAGTTCCATATGAGCACTTTGTGGGCGCACTTGTACCA[C>T]CATGGTGGGCACTTTTGGTGGGCCTCTTCCAGTTCTGGGAGAGGGGTGGTAGCAGGTATC-3'